The following is an entry in ClinVar:

ClinVar aggregate classification (germline): Uncertain significance. Review status: criteria provided, multiple submitters, no conflicts (2 of 4 stars). 2 submissions from 2 submitters: Uncertain significance (2). Last evaluated 2025-04-29.

Conditions:
Hajdu-Cheney syndrome (HJCYS). Also called: ACROOSTEOLYSIS WITH OSTEOPOROSIS AND CHANGES IN SKULL AND MANDIBLE; Acroosteolysis dominant type; SERPENTINE FIBULA-POLYCYSTIC KIDNEY SYNDROME. Identifiers: Orphanet 955, MedGen C0917715, MONDO:0007057, OMIM 102500.
Alagille syndrome due to a NOTCH2 point mutation. Also called: Alagille syndrome 2. Identifiers: Orphanet 261629, Orphanet 52, MedGen C1857761, MONDO:0012439, OMIM 610205.

gnomAD v4.1: 10 of 1,597,124 alleles (0.00063%); highest among the groups gnomAD compares: East Asian, 0.022%; no homozygotes.

Submissions (2):

Labcorp Genetics (formerly Invitae), Labcorp
Classification: Uncertain significance for Hajdu-Cheney syndrome. Last evaluated: 2025-04-29. Review status: criteria provided, single submitter. Criteria: Invitae Variant Classification Sherloc (09022015). Collection method: clinical testing. Allele origin: germline.
Comment: This sequence change replaces proline, which is neutral and non-polar, with arginine, which is basic and polar, at codon 1335 of the NOTCH2 protein (p.Pro1335Arg). This variant is present in population databases (rs746314617, gnomAD 0.02%). This variant has not been reported in the literature in individuals affected with NOTCH2-related conditions. ClinVar contains an entry for this variant (Variation ID: 3586209). An algorithm developed to predict the effect of missense changes on protein structure and function (PolyPhen-2) suggests that this variant is likely to be disruptive. In summary, the available evidence is currently insufficient to determine the role of this variant in disease. Therefore, it has been classified as a Variant of Uncertain Significance.

Fulgent Genetics
Classification: Uncertain significance for Hajdu-Cheney syndrome; Alagille syndrome due to a NOTCH2 point mutation. Last evaluated: 2024-04-12. Review status: criteria provided, single submitter. Criteria: ACMG Guidelines, 2015. Collection method: clinical testing. Allele origin: germline.

NM_024408.4(NOTCH2):c.4004C>G (p.Pro1335Arg)

Gene: NOTCH2 (notch receptor 2; minus strand). Cytogenetic location: 1p12.
Variant type: single nucleotide variant.
Coding change: c.4004C>G on transcript NM_024408.4 (MANE Select); coding-DNA position 4004, C replaced by G.
Protein change: p.Pro1335Arg; replaces proline 1335 with arginine.
Molecular consequence: missense variant.
Genome position (GRCh38, 1-based): chr1:119,926,500, G>C on the plus strand (C>G on the coding strand, the complement: NOTCH2 is on the minus strand). VCF-style: chr1-119926500-G-C. GRCh37 (hg19) VCF-style: chr1-120469123-G-C.
Other names: short protein forms P1335R.
Identifiers: ClinVar variation 3586209 (VCV003586209.2).